The following is an entry in ClinVar:

NM_080425.4(GNAS):c.550C>G (p.Leu184Val)

Gene: GNAS (GNAS complex locus; plus strand). Cytogenetic location: 20q13.32.
Variant type: single nucleotide variant.
Coding change: c.550C>G on transcript NM_080425.4 (MANE Plus Clinical); coding-DNA position 550, C replaced by G.
Protein change: p.Leu184Val; replaces leucine 184 with valine.
Molecular consequence: missense variant. On other transcripts: synonymous variant (2), intron variant (3).
Genome position (GRCh38, 1-based): chr20:58,853,815, C>G. VCF-style: chr20-58853815-C-G. GRCh37 (hg19) VCF-style: chr20-57428870-C-G.
Other names: c.363C>G, p.Thr121= (NM_001077490.3, NM_001309883.1); c.550C>G, p.Leu184Val (NM_001410913.1); c.*42+12929C>G (NM_016592.5); c.43+12929C>G (NM_001410912.1); c.-39+11940C>G (NM_001309861.2); short protein forms L184V.
Identifiers: ClinVar variation 3356969 (VCV003356969.2).

ClinVar aggregate classification (germline): Uncertain significance (1 of 4 stars; one submission).

Conditions:
GNAS-related disorder. Identifiers: MedGen CN380105.

gnomAD v4.1: 16 of 1,604,760 alleles (0.001%); highest among the groups gnomAD compares: Admixed American, 0.027%; no homozygotes.

Submission:

PreventionGenetics, part of Exact Sciences
Classification: Uncertain significance for GNAS-related condition. Last evaluated: 2026-01-27. Review status: criteria provided, single submitter. Criteria: ACMG Guidelines, 2015. Collection method: clinical testing. Allele origin: germline.
Comment: The GNAS c.550C>G variant is predicted to result in the amino acid substitution p.Leu184Val. In the primary transcript (NM_000516.5), this variant is found in the pre-coding region (c.-37912C>G). To our knowledge, this variant has not been reported in the literature. This variant is reported in 0.012% of alleles in individuals of Latino descent in gnomAD. At this time, the clinical significance of this variant is uncertain due to the absence of conclusive functional and genetic evidence.